The following is an entry in ClinVar:

NM_014915.3(ANKRD26):c.4513G>A (p.Ala1505Thr)

Gene: ANKRD26 (ankyrin repeat domain 26; minus strand). Cytogenetic location: 10p12.1.
Variant type: single nucleotide variant.
Coding change: c.4513G>A on transcript NM_014915.3 (MANE Select); coding-DNA position 4513, G replaced by A.
Protein change: p.Ala1505Thr; replaces alanine 1505 with threonine.
Molecular consequence: missense variant.
Genome position (GRCh38, 1-based): chr10:27,014,705, C>T on the plus strand (G>A on the coding strand, the complement: ANKRD26 is on the minus strand). VCF-style: chr10-27014705-C-T. GRCh37 (hg19) VCF-style: chr10-27303634-C-T.
Other names: c.4510G>A, p.Ala1504Thr (NM_001256053.2); short protein forms A1504T, A1505T.
Identifiers: ClinVar variation 3348868 (VCV003348868.5).

ClinVar aggregate classification (germline): Uncertain significance. Review status: criteria provided, multiple submitters, no conflicts (2 of 4 stars). 4 submissions from 4 submitters: Uncertain significance (3). 1 of the submissions does not count toward it. Last evaluated 2025-05-27.

Conditions:
Inborn genetic diseases. Identifiers: MedGen C0950123, MeSH D030342.
ANKRD26-related disorder. Also called: ANKRD26-related condition.

gnomAD v4.1: 4 of 1,611,928 alleles (0.00025%); highest among the groups gnomAD compares: South Asian, 0.0011%; no homozygotes.

Submissions (4):

Ambry Genetics
Classification: Uncertain significance for Inborn genetic diseases. Last evaluated: 2025-05-27. Review status: criteria provided, single submitter. Criteria: Ambry Variant Classification Scheme 2023. Collection method: clinical testing. Allele origin: germline.
Comment: The p.A1505T variant (also known as c.4513G>A), located in coding exon 31 of the ANKRD26 gene, results from a G to A substitution at nucleotide position 4513. The alanine at codon 1505 is replaced by threonine, an amino acid with similar properties. This amino acid position is conserved. In addition, this alteration is predicted to be tolerated by in silico analysis. Based on the available evidence, the clinical significance of this variant remains unclear.

Labcorp Genetics (formerly Invitae), Labcorp
Classification: Uncertain significance. Last evaluated: 2025-05-19. Review status: criteria provided, single submitter. Criteria: Invitae Variant Classification Sherloc (09022015). Collection method: clinical testing. Allele origin: germline.
Comment: This sequence change replaces alanine, which is neutral and non-polar, with threonine, which is neutral and polar, at codon 1505 of the ANKRD26 protein (p.Ala1505Thr). This variant is not present in population databases (gnomAD no frequency). This variant has not been reported in the literature in individuals affected with ANKRD26-related conditions. ClinVar contains an entry for this variant (Variation ID: 3348868). An algorithm developed to predict the effect of missense changes on protein structure and function (PolyPhen-2) suggests that this variant is likely to be disruptive. In summary, the available evidence is currently insufficient to determine the role of this variant in disease. Therefore, it has been classified as a Variant of Uncertain Significance.

Blueprint Genetics
Classification: Uncertain significance. Last evaluated: 2022-05-20. Review status: criteria provided, single submitter. Criteria: ACMG Guidelines, 2015. Collection method: clinical testing. Allele origin: germline.

PreventionGenetics, part of Exact Sciences
Classification: Uncertain significance for ANKRD26-related condition. Last evaluated: 2024-05-16. Review status: no assertion criteria provided. Collection method: clinical testing. Allele origin: germline. Not counted in ClinVar's aggregate classification.
Comment: The ANKRD26 c.4513G>A variant is predicted to result in the amino acid substitution p.Ala1505Thr. To our knowledge, this variant has not been reported in the literature or in a large population database, indicating this variant is rare. At this time, the clinical significance of this variant is uncertain due to the absence of conclusive functional and genetic evidence.